The following is an entry in ClinVar:

NM_004523.4(KIF11):c.665C>T (p.Thr222Ile)

Gene: KIF11 (kinesin family member 11; plus strand). Cytogenetic location: 10q23.33.
Variant type: single nucleotide variant.
Coding change: c.665C>T on transcript NM_004523.4 (MANE Select); coding-DNA position 665, C replaced by T.
Protein change: p.Thr222Ile; replaces threonine 222 with isoleucine.
Molecular consequence: missense variant.
Genome position (GRCh38, 1-based): chr10:92,609,476, C>T. VCF-style: chr10-92609476-C-T. GRCh37 (hg19) VCF-style: chr10-94369233-C-T.
Other names: short protein forms T222I.
Identifiers: ClinVar variation 1062078 (VCV001062078.9), dbSNP rs2135902938, ClinGen allele CA377589871.

ClinVar aggregate classification (germline): Uncertain significance (1 of 4 stars; one submission).

Submission:

Labcorp Genetics (formerly Invitae), Labcorp
Classification: Uncertain significance. Last evaluated: 2020-10-19. Review status: criteria provided, single submitter. Criteria: Invitae Variant Classification Sherloc (09022015). Collection method: clinical testing. Allele origin: germline.
Comment: In summary, the available evidence is currently insufficient to determine the role of this variant in disease. Therefore, it has been classified as a Variant of Uncertain Significance. Algorithms developed to predict the effect of missense changes on protein structure and function are either unavailable or do not agree on the potential impact of this missense change (SIFT: "Deleterious"; PolyPhen-2: "Possibly Damaging"; Align-GVGD: "Class C0"). This variant has not been reported in the literature in individuals with KIF11-related conditions. This variant is not present in population databases (ExAC no frequency). This sequence change replaces threonine with isoleucine at codon 222 of the KIF11 protein (p.Thr222Ile). The threonine residue is highly conserved and there is a moderate physicochemical difference between threonine and isoleucine.